The following is an entry in ClinVar:

ClinVar aggregate classification (germline): Uncertain significance. Review status: criteria provided, multiple submitters, no conflicts (2 of 4 stars). 2 submissions from 2 submitters: Uncertain significance (2). Last evaluated 2021-12-31.

Conditions:
Neuronal ceroid lipofuscinosis. Also called: Neuronal Ceroid Lipofuscinoses. Identifiers: Orphanet 216, Orphanet 79263, MedGen C0027877, MONDO:0016295. Disease mechanism: loss of function.

Allele frequency attached by ClinVar (database versions not stated): gnomAD exomes below 0.00001 and 0.00001; ExAC 0.00001.
gnomAD v4.1: 3 of 1,611,556 alleles (0.00019%); highest among the groups gnomAD compares: Admixed American, 0.005%; no homozygotes.

Submissions (2):

Labcorp Genetics (formerly Invitae), Labcorp
Classification: Uncertain significance for Neuronal ceroid lipofuscinosis. Last evaluated: 2021-12-31. Review status: criteria provided, single submitter. Criteria: Invitae Variant Classification Sherloc (09022015). Collection method: clinical testing. Allele origin: germline.
Comment: This sequence change replaces valine, which is neutral and non-polar, with leucine, which is neutral and non-polar, at codon 302 of the CTSD protein (p.Val302Leu). The frequency data for this variant in the population databases is considered unreliable, as metrics indicate poor data quality at this position in the gnomAD database. This variant has not been reported in the literature in individuals affected with CTSD-related conditions. ClinVar contains an entry for this variant (Variation ID: 1314349). Algorithms developed to predict the effect of missense changes on protein structure and function (SIFT, PolyPhen-2, Align-GVGD) all suggest that this variant is likely to be tolerated. In summary, the available evidence is currently insufficient to determine the role of this variant in disease. Therefore, it has been classified as a Variant of Uncertain Significance.

GeneDx
Classification: Uncertain significance. Last evaluated: 2021-03-30. Review status: criteria provided, single submitter. Criteria: GeneDx Variant Classification Process June 2021. Collection method: clinical testing. Allele origin: germline. Affected: yes.
Comment: Not observed at a significant frequency in large population cohorts (Lek et al., 2016); In silico analysis supports that this missense variant does not alter protein structure/function; Has not been previously published as pathogenic or benign to our knowledge

NM_001909.5(CTSD):c.904G>T (p.Val302Leu)

Gene: CTSD (cathepsin D; minus strand). Cytogenetic location: 11p15.5.
Variant type: single nucleotide variant.
Coding change: c.904G>T on transcript NM_001909.5 (MANE Select); coding-DNA position 904, G replaced by T.
Protein change: p.Val302Leu; replaces valine 302 with leucine.
Molecular consequence: missense variant.
Genome position (GRCh38, 1-based): chr11:1,754,062, C>A on the plus strand (G>T on the coding strand, the complement: CTSD is on the minus strand). VCF-style: chr11-1754062-C-A. GRCh37 (hg19) VCF-style: chr11-1775292-C-A.
Other names: short protein forms V302L.
Identifiers: ClinVar variation 1314349 (VCV001314349.3), dbSNP rs749491748, ClinGen allele CA5813997.